The following is an entry in ClinVar:

ClinVar aggregate classification (germline): Benign/Likely benign. Review status: criteria provided, multiple submitters, no conflicts (2 of 4 stars). 3 submissions from 3 submitters: Benign (1); Likely benign (2). Last evaluated 2026-09-01.

Allele frequency attached by ClinVar (database versions not stated): gnomAD exomes 0.00097; 1000 Genomes Project 30x 0.00109; ExAC 0.00117; 1000 Genomes Project 0.00120; ESP Exome Variant Server 0.00131; gnomAD 0.00153.
gnomAD v4.1: 1,751 of 1,613,586 alleles (0.11%); highest among the groups gnomAD compares: Middle Eastern, 1.5%; 10 homozygotes.

Submissions (3):

CeGaT Center for Human Genetics Tuebingen
Classification: Likely benign. Last evaluated: 2026-09-01. Review status: criteria provided, single submitter. Criteria: CeGaT Center For Human Genetics Tuebingen Variant Classification Criteria Version 2. Collection method: clinical testing. Allele origin: germline. Affected: yes. Observed: 3 variant alleles.
Comment: CASZ1: BS1

Labcorp Genetics (formerly Invitae), Labcorp
Classification: Benign. Last evaluated: 2025-10-22. Review status: criteria provided, single submitter. Criteria: Invitae Variant Classification Sherloc (09022015). Collection method: clinical testing. Allele origin: germline.

Blueprint Genetics
Classification: Likely benign. Last evaluated: 2024-11-15. Review status: criteria provided, single submitter. Criteria: ACMG Guidelines, 2015. Collection method: clinical testing. Allele origin: germline.

NM_001079843.3(CASZ1):c.2117C>T (p.Pro706Leu)

Gene: CASZ1 (castor zinc finger 1; minus strand). Cytogenetic location: 1p36.22.
Variant type: single nucleotide variant.
Coding change: c.2117C>T on transcript NM_001079843.3 (MANE Select); coding-DNA position 2117, C replaced by T.
Protein change: p.Pro706Leu; replaces proline 706 with leucine.
Molecular consequence: missense variant.
Genome position (GRCh38, 1-based): chr1:10,653,940, G>A on the plus strand (C>T on the coding strand, the complement: CASZ1 is on the minus strand). VCF-style: chr1-10653940-G-A. GRCh37 (hg19) VCF-style: chr1-10713997-G-A.
Other names: c.2117C>T, p.Pro706Leu (NM_017766.5); short protein forms P706L.
Identifiers: ClinVar variation 2037442 (VCV002037442.11), dbSNP rs61736955, ClinGen allele CA584938.